The following is an entry in ClinVar:

NM_014994.3(MAPKBP1):c.3393G>A (p.Pro1131=)

Gene: MAPKBP1 (mitogen-activated protein kinase binding protein 1; plus strand). Cytogenetic location: 15q15.1.
Variant type: single nucleotide variant.
Coding change: c.3393G>A on transcript NM_014994.3 (MANE Select); coding-DNA position 3393, G replaced by A.
Protein change: p.Pro1131=; no amino-acid change (proline 1131 retained).
Molecular consequence: synonymous variant. On other transcripts: non-coding transcript variant (2), intron variant (1).
Genome position (GRCh38, 1-based): chr15:41,823,017, G>A. VCF-style: chr15-41823017-G-A. GRCh37 (hg19) VCF-style: chr15-42115215-G-A.
Other names: c.3411G>A, p.Pro1137= (NM_001128608.2); c.3382+11G>A (NM_001265611.2).
Identifiers: ClinVar variation 2443170 (VCV002443170.8), dbSNP rs144679619, ClinGen allele CA7498574.
Genomic context (GRCh38, chr15:41,823,017, plus strand): 5'-CTCAAGCCTGGCACTGATGTCGAGACCAGCCCAGGTGCCACAGGCATCTGGTGAGCAGCC[G>A]AGAGGCAATGGTGCCAATCCCCCTGGAGCACCCCCGGAGGTGGAACCGTCCTCTGGCAAC-3'
Protein context (NP_055809.2, residues 1121-1141): AQVPQASGEQ[Pro1131=]RGNGANPPGA

ClinVar aggregate classification (germline): Benign/Likely benign. Review status: criteria provided, multiple submitters, no conflicts (2 of 4 stars). 4 submissions from 4 submitters: Benign (1); Likely benign (1). 2 of the submissions do not count toward it. Last evaluated 2024-03-18.

Conditions:
MAPKBP1-related disorder. Also called: MAPKBP1-related condition.
Inborn genetic diseases. Identifiers: MedGen C0950123, MeSH D030342.

Allele frequency attached by ClinVar (database versions not stated): TOPMed 0.00005; gnomAD 0.00007; ESP Exome Variant Server 0.00008; ExAC 0.00017.
gnomAD v4.1: 149 of 1,614,002 alleles (0.0092%); highest among the groups gnomAD compares: South Asian, 0.063%; no homozygotes.

Submissions (4):

Ambry Genetics
Classification: Likely benign for Inborn genetic diseases. Last evaluated: 2024-03-18. Review status: criteria provided, single submitter. Criteria: Ambry Variant Classification Scheme 2023. Collection method: clinical testing. Allele origin: germline.

Labcorp Genetics (formerly Invitae), Labcorp
Classification: Benign. Last evaluated: 2023-08-08. Review status: criteria provided, single submitter. Criteria: Invitae Variant Classification Sherloc (09022015). Collection method: clinical testing. Allele origin: germline.

Genetic Services Laboratory, University of Chicago
Classification: Likely benign. Last evaluated: 2022-05-06. Review status: no assertion criteria provided. Collection method: clinical testing. Allele origin: germline. Affected: no. Not counted in ClinVar's aggregate classification.

PreventionGenetics, part of Exact Sciences
Classification: Likely benign for MAPKBP1-related condition. Last evaluated: 2019-07-23. Review status: no assertion criteria provided. Collection method: clinical testing. Allele origin: germline. Not counted in ClinVar's aggregate classification.
Comment: This variant is classified as likely benign based on ACMG/AMP sequence variant interpretation guidelines (Richards et al. 2015 PMID: 25741868, with internal and published modifications).